The following is an entry in ClinVar:

ClinVar aggregate classification (germline): Pathogenic/Likely pathogenic. Review status: criteria provided, multiple submitters, no conflicts (2 of 4 stars). 4 submissions from 4 submitters: Pathogenic (1); Likely pathogenic (3). Last evaluated 2025-12-30.

Conditions:
Isovaleryl-CoA dehydrogenase deficiency (IVA). Also called: ISOVALERIC ACID CoA DEHYDROGENASE DEFICIENCY; Isovaleric acidemia; Classic Isovaleric Acidemia; IVD DEFICIENCY. Identifiers: Orphanet 33, MedGen C0268575, MONDO:0009475, OMIM 243500.

Allele frequency attached by ClinVar (database versions not stated): gnomAD exomes 0.00001 and 0.00002; TOPMed 0.00001; 1000 Genomes Project 30x 0.00016; 1000 Genomes Project 0.00020.
gnomAD v4.1: 22 of 1,613,460 alleles (0.0014%); highest among the groups gnomAD compares: East Asian, 0.0045%; no homozygotes.

Submissions (4):

Natera, Inc.
Classification: Likely pathogenic for Isovaleryl-coa dehydrogenase deficiency. Last evaluated: 2025-12-30. Review status: criteria provided, single submitter. Criteria: Natera Variant Classification Schema (03/2026). Collection method: clinical testing. Allele origin: germline.
Comment: The c.874G>A variant in IVD is a missense variant predicted to cause substitution of glycine to arginine at amino acid 292. This variant is rare in the general population with a frequency below the threshold expected for the associated phenotype(s). This variant has been observed in one or more individuals affected with the associated recessive disease, as either homozygous or compound heterozygous with a second variant (PMID: 24059531, 31707166, 35095998, 39318119). This variant has been identified in one or more affected individual with a phenotype highly consistent with the associated gene (PMID: 31707166). Computational prediction algorithms indicate this variant is likely to affect gene or protein function. Given the available evidence, this variant is classified as Likely Pathogenic.

Labcorp Genetics (formerly Invitae), Labcorp
Classification: Pathogenic for Isovaleryl-CoA dehydrogenase deficiency. Last evaluated: 2023-11-27. Review status: criteria provided, single submitter. Criteria: Invitae Variant Classification Sherloc (09022015). Collection method: clinical testing. Allele origin: germline.
Comment: This sequence change replaces glycine, which is neutral and non-polar, with arginine, which is basic and polar, at codon 292 of the IVD protein (p.Gly292Arg). This variant is present in population databases (rs568885234, gnomAD 0.004%). This missense change has been observed in individual(s) with isovaleric acidemia (PMID: 31707166, 35095998; Invitae). In at least one individual the data is consistent with being in trans (on the opposite chromosome) from a pathogenic variant. This variant is also known as c.865G > A p.G289R. ClinVar contains an entry for this variant (Variation ID: 864566). An algorithm developed to predict the effect of missense changes on protein structure and function (PolyPhen-2) suggests that this variant¬†is likely to be tolerated. For these reasons, this variant has been classified as Pathogenic.

Baylor Genetics
Classification: Likely pathogenic for Isovaleryl-CoA dehydrogenase deficiency. Last evaluated: 2023-11-14. Review status: criteria provided, single submitter. Criteria: ACMG Guidelines, 2015. Collection method: clinical testing. Allele origin: unknown.

Department of Human Genetics, Hannover Medical School
Classification: Likely pathogenic for Isovaleryl-CoA dehydrogenase deficiency. Last evaluated: 2023-05-05. Review status: criteria provided, single submitter. Criteria: ACMG Guidelines, 2015. Collection method: clinical testing. Allele origin: germline. Inheritance: Autosomal recessive inheritance. Affected: yes.

Literature cited by the submitters: PubMed 24059531 (cited by Natera, Inc.); PubMed 31707166 (cited by Natera, Inc. and Labcorp Genetics (formerly Invitae), Labcorp); PubMed 35095998 (cited by Natera, Inc. and Labcorp Genetics (formerly Invitae), Labcorp); PubMed 39318119 (cited by Natera, Inc.).

NM_002225.5(IVD):c.865G>A (p.Gly289Arg)

Gene: IVD (isovaleryl-CoA dehydrogenase; plus strand). Cytogenetic location: 15q15.1.
Variant type: single nucleotide variant.
Coding change: c.865G>A on transcript NM_002225.5 (MANE Select); coding-DNA position 865, G replaced by A.
Protein change: p.Gly289Arg; replaces glycine 289 with arginine.
Molecular consequence: missense variant. On other transcripts: non-coding transcript variant (1).
Genome position (GRCh38, 1-based): chr15:40,414,969, G>A. VCF-style: chr15-40414969-G-A. GRCh37 (hg19) VCF-style: chr15-40707168-G-A.
Other names: c.775G>A, p.Gly259Arg (NM_001159508.3); c.817G>A, p.Gly273Arg (NM_001354597.3); c.865G>A, p.Gly289Arg (NM_001354598.3, NM_001354601.3); c.952G>A, p.Gly318Arg (NM_001354599.3, NM_001354600.3); short protein forms G289R, G259R, G273R, G318R.
Identifiers: ClinVar variation 864566 (VCV000864566.9), dbSNP rs568885234, ClinGen allele CA268780751.